The following is an entry in ClinVar:

ClinVar aggregate classification (germline): Uncertain significance. Review status: criteria provided, multiple submitters, no conflicts (2 of 4 stars). 2 submissions from 2 submitters: Uncertain significance (2). Last evaluated 2022-06-10.

Allele frequency attached by ClinVar (database versions not stated): gnomAD 0.00001 and 0.00005; TOPMed 0.00001; ExAC 0.00003.

Submissions (2):

Labcorp Genetics (formerly Invitae), Labcorp
Classification: Uncertain significance. Last evaluated: 2022-06-10. Review status: criteria provided, single submitter. Criteria: Invitae Variant Classification Sherloc (09022015). Collection method: clinical testing. Allele origin: germline.
Comment: This sequence change replaces aspartic acid, which is acidic and polar, with asparagine, which is neutral and polar, at codon 98 of the C17orf62 protein (p.Asp98Asn). This variant is present in population databases (rs778192946, gnomAD 0.01%). This variant has not been reported in the literature in individuals affected with C17orf62-related conditions. Algorithms developed to predict the effect of missense changes on protein structure and function are either unavailable or do not agree on the potential impact of this missense change (SIFT: "Deleterious"; PolyPhen-2: "Possibly Damaging"; Align-GVGD: "Class C0"). In summary, the available evidence is currently insufficient to determine the role of this variant in disease. Therefore, it has been classified as a Variant of Uncertain Significance.

Breakthrough Genomics
Classification: Uncertain significance. Review status: criteria provided, single submitter. Criteria: ACMG Guidelines, 2015. Collection method: not provided. Allele origin: germline. Inheritance: Autosomal recessive inheritance. Affected: yes.

NM_001033046.4(CYBC1):c.292G>A (p.Asp98Asn)

Gene: CYBC1 (cytochrome b-245 chaperone 1; minus strand). Cytogenetic location: 17q25.3.
Variant type: single nucleotide variant.
Coding change: c.292G>A on transcript NM_001033046.4 (MANE Select); coding-DNA position 292, G replaced by A.
Protein change: p.Asp98Asn; replaces aspartic acid 98 with asparagine.
Molecular consequence: missense variant. On other transcripts: non-coding transcript variant (4).
Genome position (GRCh38, 1-based): chr17:82,445,870, C>T on the plus strand (G>A on the coding strand, the complement: CYBC1 is on the minus strand). VCF-style: chr17-82445870-C-T. GRCh37 (hg19) VCF-style: chr17-80403746-C-T.
Other names: c.292G>A, p.Asp98Asn (NM_001100407.3, NM_001193653.2, NM_001193654.2 and 2 more transcripts); c.250G>A, p.Asp84Asn (NM_001100408.3); short protein forms D84N, D98N.
Identifiers: ClinVar variation 1682715 (VCV001682715.4), dbSNP rs778192946, ClinGen allele CA8858288.
Genomic context (GRCh38, chr17:82,445,870, plus strand): 5'-AAGTGCGCCGCCTCTGTGGCCGTGTCCCATGTCCCCACGCTCCCCACGACTCACCCTGGT[C>T]GTGGCCAGCTCTGAAAAGAGTCAGCAGCTTCTTGTAGAGGCTGAACGTCTTCAAAACAAC-3'
Protein context (NP_001028218.1, residues 88-108): KLLTLFRAGH[Asp98Asn]QVVVLLHDVR